The following is an entry in ClinVar:

NM_001276270.2(MBD4):c.887G>A (p.Cys296Tyr)

Gene: MBD4 (methyl-CpG binding domain 4, DNA glycosylase; minus strand). Cytogenetic location: 3q21.3.
Variant type: single nucleotide variant.
Coding change: c.887G>A on transcript NM_001276270.2 (MANE Select); coding-DNA position 887, G replaced by A.
Protein change: p.Cys296Tyr; replaces cysteine 296 with tyrosine.
Molecular consequence: missense variant. On other transcripts: intron variant (1).
Genome position (GRCh38, 1-based): chr3:129,436,757, C>T on the plus strand (G>A on the coding strand, the complement: MBD4 is on the minus strand). VCF-style: chr3-129436757-C-T. GRCh37 (hg19) VCF-style: chr3-129155600-C-T.
Other names: c.887G>A, p.Cys296Tyr (NM_001276271.2, NM_001276272.2, NM_003925.3); c.247+1051G>A (NM_001276273.2); short protein forms C296Y.
Identifiers: ClinVar variation 3870864 (VCV003870864.1).

ClinVar aggregate classification (germline): Uncertain significance (1 of 4 stars; one submission).

Conditions:
Inborn genetic diseases. Identifiers: MedGen C0950123, MeSH D030342.

Submission:

Ambry Genetics
Classification: Uncertain significance for Inborn genetic diseases. Last evaluated: 2024-12-19. Review status: criteria provided, single submitter. Criteria: Ambry Variant Classification Scheme 2023. Collection method: clinical testing. Allele origin: germline.
Comment: The p.C296Y variant (also known as c.887G>A), located in coding exon 3 of the MBD4 gene, results from a G to A substitution at nucleotide position 887. The cysteine at codon 296 is replaced by tyrosine, an amino acid with highly dissimilar properties. This amino acid position is conserved. In addition, this alteration is predicted to be tolerated by in silico analysis. Based on the available evidence, the clinical significance of this variant remains unclear.